The following is an entry in ClinVar:

ClinVar aggregate classification (germline): Likely pathogenic (1 of 4 stars; one submission).

Conditions:
Pfeiffer syndrome (ACS5). Also called: ACS V. Identifiers: Orphanet 710, MedGen C0220658, MONDO:0007043, OMIM 101600.
Hypogonadotropic hypogonadism 2 with or without anosmia (HH2). Also called: HYPOGONADOTROPIC HYPOGONADISM 2 WITHOUT ANOSMIA; HYPOGONADOTROPIC HYPOGONADISM 2 WITH OR WITHOUT ANOSMIA, SUSCEPTIBILITY TO; HYPOGONADOTROPIC HYPOGONADISM 2 WITHOUT ANOSMIA, SUSCEPTIBILITY TO; FGFR1-Related GnRH Deficiency (Kallmann Syndrome 2). Identifiers: Orphanet 478, MedGen C1563720, MONDO:0007844, OMIM 147950. Disease mechanism: loss of function.

Submission:

Labcorp Genetics (formerly Invitae), Labcorp
Classification: Likely pathogenic for Pfeiffer syndrome; Hypogonadotropic hypogonadism 2 with or without anosmia. Last evaluated: 2022-02-02. Review status: criteria provided, single submitter. Criteria: Invitae Variant Classification Sherloc (09022015). Collection method: clinical testing. Allele origin: germline.
Comment: In summary, the currently available evidence indicates that the variant is pathogenic, but additional data are needed to prove that conclusively. Therefore, this variant has been classified as Likely Pathogenic. Algorithms developed to predict the effect of missense changes on protein structure and function are either unavailable or do not agree on the potential impact of this missense change (SIFT: "Deleterious"; PolyPhen-2: "Probably Damaging"; Align-GVGD: "Class C15"). This missense change has been observed in individual(s) with clinical features of Hartsfield syndrome (Invitae). In at least one individual the variant was observed to be de novo. This variant is not present in population databases (gnomAD no frequency). This sequence change replaces leucine, which is neutral and non-polar, with phenylalanine, which is neutral and non-polar, at codon 672 of the FGFR1 protein (p.Leu672Phe).

NM_023110.3(FGFR1):c.2016A>T (p.Leu672Phe)

Gene: FGFR1 (fibroblast growth factor receptor 1; minus strand). Cytogenetic location: 8p11.23.
Variant type: single nucleotide variant.
Coding change: c.2016A>T on transcript NM_023110.3 (MANE Select); coding-DNA position 2016, A replaced by T.
Protein change: p.Leu672Phe; replaces leucine 672 with phenylalanine.
Molecular consequence: missense variant.
Genome position (GRCh38, 1-based): chr8:38,414,591, T>A on the plus strand (A>T on the coding strand, the complement: FGFR1 is on the minus strand). VCF-style: chr8-38414591-T-A. GRCh37 (hg19) VCF-style: chr8-38272109-T-A.
Other names: c.2016A>T, p.Leu672Phe (NM_000604.2); c.2010A>T, p.Leu670Phe (NM_001174063.2, NM_001174065.2, NM_001354367.2 and 1 more transcripts); c.1986A>T, p.Leu662Phe (NM_001174064.2); c.1749A>T, p.Leu583Phe (NM_001174066.2, NM_023105.3); c.2109A>T, p.Leu703Phe (NM_001174067.2); c.1737A>T, p.Leu579Phe (NM_001354368.2); c.2004A>T, p.Leu668Phe (NM_001354369.2, NM_001410922.1); c.1743A>T, p.Leu581Phe (NM_001354370.2, NM_023106.3); short protein forms L583F, L662F, L579F, L581F, L668F, L672F, L703F, L670F.
Identifiers: ClinVar variation 2079113 (VCV002079113.4), dbSNP rs2536805437, ClinGen allele CA370729581.
Genomic context (GRCh38, chr8:38,414,591, plus strand): 5'-TCCCTGGCAATTGCTATTACAAACTCACACATCACTCTGGTGGGTGTAGATCCGGTCAAA[T>A]AATGCCTCGGGTGCCATCCACTTCACAGGCAGTCGGCCCTGAAAGCAGCACAGGGGAGGT-3'
Protein context (NP_075598.2, residues 662-682): LPVKWMAPEA[Leu672Phe]FDRIYTHQSD